The following is an entry in ClinVar:

ClinVar aggregate classification (germline): Likely benign (1 of 4 stars; one submission).

gnomAD v4.1: 2 of 1,613,696 alleles (0.00012%); highest among the groups gnomAD compares: Non-Finnish European, 0.00017%; no homozygotes.

Submission:

Mayo Clinic Laboratories, Mayo Clinic
Classification: Likely benign. Last evaluated: 2025-04-15. Review status: criteria provided, single submitter. Criteria: ACMG Guidelines, 2015. Collection method: clinical testing. Allele origin: germline. Observed: 1 variant allele.
Comment: BP4, BP7

NM_001349206.2(LPIN1):c.1359-7C>T

Genes: LPIN1 (lipin 1; plus strand), LOC122756382 (Sharpr-MPRA regulatory region 7856; plus strand). Cytogenetic location: 2p25.1.
Variant type: single nucleotide variant.
Coding change: c.1359-7C>T on transcript NM_001349206.2 (MANE Select); 7 bases into the intron before coding-DNA position 1359, C replaced by T.
Molecular consequence: intron variant.
Genome position (GRCh38, 1-based): chr2:11,784,879, C>T. VCF-style: chr2-11784879-C-T. GRCh37 (hg19) VCF-style: chr2-11925005-C-T.
Other names: p.?; c.1356-7C>T (NM_001349203.2, NM_001349202.2); c.1251-7C>T (NM_001349201.2, NM_145693.4, NM_001349200.2 and 1 more transcripts); c.1359-7C>T (NM_001349205.2, NM_001349204.2); c.1506-7C>T (NM_001261428.3); c.1398-7C>T (NM_001349208.2); c.1449-7C>T (NM_001349207.2); c.1269-7C>T (NM_001261427.3).
Identifiers: ClinVar variation 4684470 (VCV004684470.1).
Genomic context (GRCh38, chr2:11,784,879, plus strand): 5'-GATGGTGATGTAGGACCCTGAACTGGGACAGTCCTCAGCCGGTCTCTGCCGCTTTTCCTC[C>T]TTCCAGCGGAGATCCTTCCGGACTCGCAAAACATGCAAGCGACAACGGAGCCCGGTCAGC-3'